The following is an entry in ClinVar:

ClinVar aggregate classification (germline): Likely benign (1 of 4 stars; one submission).

gnomAD v4.1: 71 of 1,526,662 alleles (0.0047%); highest among the groups gnomAD compares: Non-Finnish European, 0.0054%; no homozygotes.

Submission:

CeGaT Center for Human Genetics Tuebingen
Classification: Likely benign. Last evaluated: 2023-09-01. Review status: criteria provided, single submitter. Criteria: CeGaT Center For Human Genetics Tuebingen Variant Classification Criteria Version 2. Collection method: clinical testing. Allele origin: germline. Affected: yes. Observed: 2 variant alleles.
Comment: PI4KA: BP4, BP7

NM_058004.4(PI4KA):c.1839C>A (p.Pro613=)

Gene: PI4KA (phosphatidylinositol 4-kinase alpha; minus strand). Cytogenetic location: 22q11.21.
Variant type: single nucleotide variant.
Coding change: c.1839C>A on transcript NM_058004.4 (MANE Select); coding-DNA position 1839, C replaced by A.
Protein change: p.Pro613=; no amino-acid change (proline 613 retained).
Molecular consequence: synonymous variant.
Genome position (GRCh38, 1-based): chr22:20,799,258, G>T on the plus strand (C>A on the coding strand, the complement: PI4KA is on the minus strand). VCF-style: chr22-20799258-G-T. GRCh37 (hg19) VCF-style: chr22-21153546-G-T.
Other names: c.1839C>A, p.Pro613= (NM_001362862.2); c.1773C>A, p.Pro591= (NM_001362863.2).
Identifiers: ClinVar variation 1176006 (VCV001176006.35), dbSNP rs143198544, ClinGen allele CA10116319.